The following is an entry in ClinVar:

NM_152309.3(PIK3AP1):c.1772C>T (p.Ser591Leu)

Gene: PIK3AP1 (phosphoinositide-3-kinase adaptor protein 1; minus strand). Cytogenetic location: 10q24.1.
Variant type: single nucleotide variant.
Coding change: c.1772C>T on transcript NM_152309.3 (MANE Select); coding-DNA position 1772, C replaced by T.
Protein change: p.Ser591Leu; replaces serine 591 with leucine.
Molecular consequence: missense variant.
Genome position (GRCh38, 1-based): chr10:96,620,521, G>A on the plus strand (C>T on the coding strand, the complement: PIK3AP1 is on the minus strand). VCF-style: chr10-96620521-G-A. GRCh37 (hg19) VCF-style: chr10-98380278-G-A.
Other names: short protein forms S591L.
Identifiers: ClinVar variation 3680439 (VCV003680439.2).

ClinVar aggregate classification (germline): Uncertain significance (1 of 4 stars; one submission).

Conditions:
Infantile spasms. Also called: Infantile spasm. Identifiers: MedGen C3887898, HP:0012469.

gnomAD v4.1: 11 of 1,613,300 alleles (0.00068%); highest among the groups gnomAD compares: Non-Finnish European, 0.00093%; no homozygotes.

Submission:

Labcorp Genetics (formerly Invitae), Labcorp
Classification: Uncertain significance for Infantile spasms. Last evaluated: 2025-02-11. Review status: criteria provided, single submitter. Criteria: Invitae Variant Classification Sherloc (09022015). Collection method: clinical testing. Allele origin: germline.
Comment: This sequence change replaces serine, which is neutral and polar, with leucine, which is neutral and non-polar, at codon 591 of the PIK3AP1 protein (p.Ser591Leu). This variant is present in population databases (rs753269264, gnomAD 0.0009%). This variant has not been reported in the literature in individuals affected with PIK3AP1-related conditions. An algorithm developed to predict the effect of missense changes on protein structure and function (PolyPhen-2) suggests that this variant is likely to be disruptive. In summary, the available evidence is currently insufficient to determine the role of this variant in disease. Therefore, it has been classified as a Variant of Uncertain Significance.